The following is an entry in ClinVar:

ClinVar aggregate classification (germline): Uncertain significance (1 of 4 stars; one submission).

Conditions:
Hereditary cancer-predisposing syndrome. Also called: Hereditary neoplastic syndrome; Neoplastic Syndromes, Hereditary; Tumor predisposition; Hereditary Cancer Syndrome. Identifiers: Orphanet 140162, MedGen C0027672, MeSH D009386, MONDO:0015356.

Submission:

Ambry Genetics
Classification: Uncertain significance for Hereditary cancer-predisposing syndrome. Last evaluated: 2025-07-12. Review status: criteria provided, single submitter. Criteria: Ambry Variant Classification Scheme 2023. Collection method: clinical testing. Allele origin: germline.
Comment: The p.R276S variant (also known as c.828G>C), located in coding exon 6 of the POLD1 gene, results from a G to C substitution at nucleotide position 828. The arginine at codon 276 is replaced by serine, an amino acid with dissimilar properties. This amino acid position is conserved. In addition, this alteration is predicted to be tolerated by in silico analysis. Based on the available evidence, the clinical significance of this variant remains unclear.

NM_002691.4(POLD1):c.828G>C (p.Arg276Ser)

Gene: POLD1 (DNA polymerase delta 1, catalytic subunit; plus strand). Cytogenetic location: 19q13.33.
Variant type: single nucleotide variant.
Coding change: c.828G>C on transcript NM_002691.4 (MANE Select); coding-DNA position 828, G replaced by C.
Protein change: p.Arg276Ser; replaces arginine 276 with serine.
Molecular consequence: missense variant. On other transcripts: non-coding transcript variant (1).
Genome position (GRCh38, 1-based): chr19:50,402,523, G>C. VCF-style: chr19-50402523-G-C. GRCh37 (hg19) VCF-style: chr19-50905780-G-C.
Other names: c.828G>C, p.Arg276Ser (NM_001438210.1, NM_001438211.1, NM_001438212.1 and 3 more transcripts); short protein forms R276S.
Identifiers: ClinVar variation 4141000 (VCV004141000.1).
Genomic context (GRCh38, chr19:50,402,523, plus strand): 5'-GGACACGGACATCGTCGGCTGCAACTGGCTGGAGCTCCCAGCTGGGAAATACGCCCTGAG[G>C]CTGAAGGAGAAGGTGCAGGGCTTCCCAGGGCAGGGCTGGGTGGGGAGCTGGTACCCTGCT-3'
Protein context (NP_002682.2, residues 266-286): LELPAGKYAL[Arg276Ser]LKEKATQCQL